The following is an entry in ClinVar:

NM_000059.4(BRCA2):c.5388T>C (p.Asp1796=)

Gene: BRCA2 (BRCA2 DNA repair associated; plus strand). Cytogenetic location: 13q13.1.
Variant type: single nucleotide variant.
Coding change: c.5388T>C on transcript NM_000059.4 (MANE Select); coding-DNA position 5388, T replaced by C.
Protein change: p.Asp1796=; no amino-acid change (aspartic acid 1796 retained).
Molecular consequence: synonymous variant.
Genome position (GRCh38, 1-based): chr13:32,339,743, T>C. VCF-style: chr13-32339743-T-C. GRCh37 (hg19) VCF-style: chr13-32913880-T-C.
Identifiers: ClinVar variation 510722 (VCV000510722.18), dbSNP rs1555284205, ClinGen allele CA483438684.

ClinVar aggregate classification (germline): Conflicting classifications of pathogenicity. Review status: criteria provided, conflicting classifications (1 of 4 stars). 5 submissions from 5 submitters: Uncertain significance (1); Likely benign (4). Last evaluated 2024-12-06.

Conditions:
Hereditary breast ovarian cancer syndrome. Also called: Hereditary breast and ovarian cancer syndrome; Breast and ovarian cancer; BRCA1- and BRCA2-Associated Hereditary Breast and Ovarian Cancer; Hereditary breast and ovarian cancer syndrome (HBOC); Hereditary breast and/or ovarian cancer syndrome; Hereditary breast and ovarian cancer. Identifiers: Orphanet 145, MedGen C0677776, MeSH D061325, MONDO:0003582. Disease mechanism: loss of function.
Hereditary cancer-predisposing syndrome. Also called: Hereditary neoplastic syndrome; Hereditary Cancer Syndrome; Neoplastic Syndromes, Hereditary; Tumor predisposition. Identifiers: Orphanet 140162, MedGen C0027672, MeSH D009386, MONDO:0015356.

Allele frequency attached by ClinVar (database versions not stated): gnomAD exomes below 0.00001.
gnomAD v4.1: 4 of 1,613,928 alleles (0.00025%); highest among the groups gnomAD compares: Non-Finnish European, 0.00034%; no homozygotes.

Submissions (5):

Women's Health and Genetics/Laboratory Corporation of America, LabCorp
Classification: Likely benign. Last evaluated: 2024-12-06. Review status: criteria provided, single submitter. Criteria: LabCorp Variant Classification Summary - May 2015. Collection method: clinical testing. Allele origin: germline.

Quest Diagnostics Nichols Institute San Juan Capistrano
Classification: Uncertain significance. Last evaluated: 2024-04-03. Review status: criteria provided, single submitter. Criteria: Quest Diagnostics criteria. Collection method: clinical testing. Allele origin: unknown.
Comment: The BRCA2 c.5388T>C (p.Asp1796=) synonymous variant has not been reported in individuals with BRCA2-related conditions in the published literature. It also has not been reported in large, multi-ethnic general populations (Genome Aggregation Database). Analysis of this variant using software algorithms for the prediction of the effect of nucleotide changes on splicing yielded predictions that this variant does not affect BRCA2 mRNA splicing. Based on the available information, we are unable to determine the clinical significance of this variant.

Labcorp Genetics (formerly Invitae), Labcorp
Classification: Likely benign for Hereditary breast ovarian cancer syndrome. Last evaluated: 2024-03-11. Review status: criteria provided, single submitter. Criteria: Invitae Variant Classification Sherloc (09022015). Collection method: clinical testing. Allele origin: germline.

Ambry Genetics
Classification: Likely benign for Hereditary cancer-predisposing syndrome. Last evaluated: 2017-12-05. Review status: criteria provided, single submitter. Criteria: Ambry Variant Classification Scheme 2023. Collection method: clinical testing. Allele origin: germline.

GeneDx
Classification: Likely benign. Last evaluated: 2017-07-10. Review status: criteria provided, single submitter. Criteria: GeneDx Variant Classification (06012015). Collection method: clinical testing. Allele origin: germline. Affected: yes.
Comment: This variant is considered likely benign or benign based on one or more of the following criteria: it is a conservative change, it occurs at a poorly conserved position in the protein, it is predicted to be benign by multiple in silico algorithms, and/or has population frequency not consistent with disease.